The following is an entry in ClinVar:

NM_014225.6(PPP2R1A):c.933A>T (p.Glu311Asp)

Gene: PPP2R1A (protein phosphatase 2 scaffold subunit Aalpha; plus strand). Cytogenetic location: 19q13.41.
Variant type: single nucleotide variant.
Coding change: c.933A>T on transcript NM_014225.6 (MANE Select); coding-DNA position 933, A replaced by T.
Protein change: p.Glu311Asp; replaces glutamic acid 311 with aspartic acid.
Molecular consequence: missense variant. On other transcripts: non-coding transcript variant (1).
Genome position (GRCh38, 1-based): chr19:52,216,014, A>T. VCF-style: chr19-52216014-A-T. GRCh37 (hg19) VCF-style: chr19-52719267-A-T.
Other names: c.396A>T, p.Glu132Asp (NM_001363656.2); short protein forms E132D, E311D.
Identifiers: ClinVar variation 4070853 (VCV004070853.1).
Genomic context (GRCh38, chr19:52,216,014, plus strand): 5'-ACTAGCACATCAGGTCTCACTTCCCTTTGCCTCCCTCTCCCTGCCCACAGAGTTCTGTGA[A>T]AACCTCTCAGCTGACTGTCGGGAGAATGTGATCATGTCCCAGATCTTGCCCTGCATCAAG-3'
Protein context (NP_055040.2, residues 301-321): AASHKVKEFC[Glu311Asp]NLSADCRENV

ClinVar aggregate classification (germline): Uncertain significance (1 of 4 stars; one submission).

Submission:

GeneDx
Classification: Uncertain significance. Last evaluated: 2025-01-21. Review status: criteria provided, single submitter. Criteria: GeneDx Variant Classification Process June 2021. Collection method: clinical testing. Allele origin: germline. Affected: yes.
Comment: Not observed at significant frequency in large population cohorts (gnomAD); In silico analysis indicates that this missense variant does not alter protein structure/function; Has not been previously published as pathogenic or benign to our knowledge